The following is an entry in ClinVar:

NM_007294.4(BRCA1):c.5193+18C>T

Gene: BRCA1 (BRCA1 DNA repair associated; minus strand). Cytogenetic location: 17q21.31.
Variant type: single nucleotide variant.
Coding change: c.5193+18C>T on transcript NM_007294.4 (MANE Select); 18 bases into the intron after coding-DNA position 5193, C replaced by T.
Molecular consequence: intron variant.
Genome position (GRCh38, 1-based): chr17:43,063,315, G>A on the plus strand (C>T on the coding strand, the complement: BRCA1 is on the minus strand). VCF-style: chr17-43063315-G-A. GRCh37 (hg19) VCF-style: chr17-41215332-G-A.
Other names: c.1674+18C>T (NM_001408478.1, NM_001408480.1, NM_001408479.1); c.4980+18C>T (NM_001407907.1, NM_001407902.1, NM_001407897.1 and 12 more transcripts); c.4983+18C>T (NM_001407879.1, NM_001407882.1, NM_001407885.1 and 5 more transcripts); c.1755+18C>T (NM_001408450.1, NM_001408447.1, NM_001408446.1 and 2 more transcripts); c.1758+18C>T (NM_001408434.1, NM_001408440.1, NM_001408433.1 and 10 more transcripts); c.5067+18C>T (NM_001407672.1, NM_001407678.1, NM_001407673.1 and 10 more transcripts); c.1878+18C>T (NM_001408398.1, NM_001408400.1, NM_001408392.1 and 8 more transcripts); c.1881+18C>T (NM_001407992.1, NM_001407981.1, NM_007298.4 and 12 more transcripts); and 72 more.
Identifiers: ClinVar variation 867481 (VCV000867481.3), dbSNP rs2051849852, ClinGen allele CA916080001.

Conditions:
Breast-ovarian cancer, familial, susceptibility to, 1 (BROVCA1). Also called: BRCA1 Hereditary Breast and Ovarian Cancer; OVARIAN CANCER, SUSCEPTIBILITY TO. Identifiers: Orphanet 145, MedGen C2676676, MONDO:0011450, OMIM 604370. Disease mechanism: loss of function.

Submission:

Brotman Baty Institute, University of Washington
No classification provided (evidence only). Condition: Breast-ovarian cancer, familial 1. Review status: no classification provided. Collection method: in vitro. Allele origin: not applicable. Functional consequence: functionally_normal.
ClinVar note: "not provided" was previously submitted as the classification for the variant. However, the classification appeared to be based only on an observation of functional data so it was converted to no classification on 2025-07-30.